The following is an entry in ClinVar:

NM_032888.4(COL27A1):c.215C>T (p.Ser72Leu)

Gene: COL27A1 (collagen type XXVII alpha 1 chain; plus strand). Cytogenetic location: 9q32.
Variant type: single nucleotide variant.
Coding change: c.215C>T on transcript NM_032888.4 (MANE Select); coding-DNA position 215, C replaced by T.
Protein change: p.Ser72Leu; replaces serine 72 with leucine.
Molecular consequence: missense variant.
Genome position (GRCh38, 1-based): chr9:114,167,770, C>T. VCF-style: chr9-114167770-C-T. GRCh37 (hg19) VCF-style: chr9-116930050-C-T.
Other names: short protein forms S72L.
Identifiers: ClinVar variation 2140472 (VCV002140472.3), dbSNP rs200695070, ClinGen allele CA5201075.

ClinVar aggregate classification (germline): Uncertain significance (1 of 4 stars; one submission).

Allele frequency attached by ClinVar (database versions not stated): ExAC 0.00001; gnomAD 0.00006; TOPMed 0.00006.
gnomAD v4.1: 21 of 1,613,788 alleles (0.0013%); highest among the groups gnomAD compares: African/African-American, 0.024%; 1 homozygote.

Submission:

Labcorp Genetics (formerly Invitae), Labcorp
Classification: Uncertain significance. Last evaluated: 2022-07-02. Review status: criteria provided, single submitter. Criteria: Invitae Variant Classification Sherloc (09022015). Collection method: clinical testing. Allele origin: germline.
Comment: This sequence change replaces serine, which is neutral and polar, with leucine, which is neutral and non-polar, at codon 72 of the COL27A1 protein (p.Ser72Leu). This variant is present in population databases (rs200695070, gnomAD 0.01%). This variant has not been reported in the literature in individuals affected with COL27A1-related conditions. Advanced modeling of protein sequence and biophysical properties (such as structural, functional, and spatial information, amino acid conservation, physicochemical variation, residue mobility, and thermodynamic stability) performed at Invitae indicates that this missense variant is not expected to disrupt COL27A1 protein function. In summary, the available evidence is currently insufficient to determine the role of this variant in disease. Therefore, it has been classified as a Variant of Uncertain Significance.